The following is an entry in ClinVar:

ClinVar aggregate classification (germline): Uncertain significance (1 of 4 stars; one submission).

Conditions:
Benign neonatal seizures. Also called: Benign familial neonatal epilepsy; Benign familial neonatal seizures; Convulsions benign familial neonatal dominant form; Autosomal dominant form of benign neonatal seizures; Benign neonatal familial convulsions. Identifiers: Orphanet 1949, MedGen C0220669, MONDO:0016027.

Allele frequency attached by ClinVar (database versions not stated): gnomAD 0.00001.
gnomAD v4.1: 24 of 1,137,434 alleles (0.0021%); highest among the groups gnomAD compares: Admixed American, 0.0049%; no homozygotes.

Submission:

Labcorp Genetics (formerly Invitae), Labcorp
Classification: Uncertain significance for Benign neonatal seizures. Last evaluated: 2023-12-06. Review status: criteria provided, single submitter. Criteria: Invitae Variant Classification Sherloc (09022015). Collection method: clinical testing. Allele origin: germline.
Comment: This sequence change replaces alanine, which is neutral and non-polar, with serine, which is neutral and polar, at codon 12 of the KCNQ3 protein (p.Ala12Ser). This variant is not present in population databases (gnomAD no frequency). This variant has not been reported in the literature in individuals affected with KCNQ3-related conditions. ClinVar contains an entry for this variant (Variation ID: 1898669). Advanced modeling of protein sequence and biophysical properties (such as structural, functional, and spatial information, amino acid conservation, physicochemical variation, residue mobility, and thermodynamic stability) performed at Invitae indicates that this missense variant is not expected to disrupt KCNQ3 protein function with a negative predictive value of 95%. In summary, the available evidence is currently insufficient to determine the role of this variant in disease. Therefore, it has been classified as a Variant of Uncertain Significance.

NM_004519.4(KCNQ3):c.34G>T (p.Ala12Ser)

Gene: KCNQ3 (potassium voltage-gated channel subfamily Q member 3; minus strand). Cytogenetic location: 8q24.22.
Variant type: single nucleotide variant.
Coding change: c.34G>T on transcript NM_004519.4 (MANE Select); coding-DNA position 34, G replaced by T.
Protein change: p.Ala12Ser; replaces alanine 12 with serine.
Molecular consequence: missense variant.
Genome position (GRCh38, 1-based): chr8:132,480,499, C>A on the plus strand (G>T on the coding strand, the complement: KCNQ3 is on the minus strand). VCF-style: chr8-132480499-C-A. GRCh37 (hg19) VCF-style: chr8-133492746-C-A.
Other names: short protein forms A12S.
Identifiers: ClinVar variation 1898669 (VCV001898669.5), dbSNP rs1352880493, ClinGen allele CA372293028.